The following is an entry in ClinVar:

NM_006371.5(CRTAP):c.*2901G>C

Gene: CRTAP (cartilage associated protein; plus strand). Cytogenetic location: 3p22.3.
Variant type: single nucleotide variant.
Coding change: c.*2901G>C on transcript NM_006371.5 (MANE Select); 2901 bases downstream of the stop codon, G replaced by C.
Molecular consequence: 3 prime UTR variant.
Genome position (GRCh38, 1-based): chr3:33,145,349, G>C. VCF-style: chr3-33145349-G-C. GRCh37 (hg19) VCF-style: chr3-33186841-G-C.
Identifiers: ClinVar variation 344855 (VCV000344855.6), dbSNP rs72857502, ClinGen allele CA10618140.

ClinVar aggregate classification (germline): Benign. Review status: criteria provided, multiple submitters, no conflicts (2 of 4 stars). 2 submissions from 2 submitters: Benign (2). Last evaluated 2018-01-12.

Conditions:
Osteogenesis imperfecta type 7 (OI7). Also called: OI type 7; OI type VII; OSTEOGENESIS IMPERFECTA, TYPE IIB; Osteogenesis imperfecta type 2B; OI type 2B; Osteogenesis imperfecta, perinatal lethal autosomal recessive. Identifiers: MedGen C1853162, MONDO:0012536, OMIM 610682.

Allele frequency attached by ClinVar (database versions not stated): gnomAD exomes 0.00495; gnomAD 0.04474 and 0.04627; TOPMed 0.05125; 1000 Genomes Project 0.05751; 1000 Genomes Project 30x 0.06168.
gnomAD v4.1: 6,780 of 152,452 alleles (4.4%); highest among the groups gnomAD compares: African/African-American, 13%; 402 homozygotes.

Submissions (2):

Illumina Laboratory Services, Illumina
Classification: Benign for Osteogenesis imperfecta type 7. Last evaluated: 2018-01-12. Review status: criteria provided, single submitter. Criteria: ICSL Variant Classification Criteria 13 December 2019. Collection method: clinical testing. Allele origin: germline.
Comment: This variant was observed in the ICSL laboratory as part of a predisposition screen in an ostensibly healthy population. It had not been previously curated by ICSL or reported in the Human Gene Mutation Database (HGMD: prior to June 1st, 2018), and was therefore a candidate for classification through an automated scoring system. Utilizing variant allele frequency, disease prevalence and penetrance estimates, and inheritance mode, an automated score was calculated to assess if this variant is too frequent to cause the disease. Based on the score and internal cut-off values, a variant classified as benign is not then subjected to further curation. The score for this variant resulted in a classification of benign for this disease.

Breakthrough Genomics
Classification: Benign. Review status: criteria provided, single submitter. Criteria: ACMG Guidelines, 2015. Collection method: not provided. Allele origin: germline. Inheritance: Autosomal recessive inheritance. Affected: yes.